The following is an entry in ClinVar:

ClinVar aggregate classification (germline): Uncertain significance (1 of 4 stars; one submission).

Conditions:
Dilated cardiomyopathy 1G (CMD1G). Identifiers: Orphanet 154, MedGen C1858763, MONDO:0011400, OMIM 604145.
Autosomal recessive limb-girdle muscular dystrophy type 2J (LGMDR10). Also called: Limb-girdle muscular dystrophy, type 2J; MUSCULAR DYSTROPHY, LIMB-GIRDLE, AUTOSOMAL RECESSIVE 10. Identifiers: Orphanet 140922, MedGen C1837342, MONDO:0012127, OMIM 608807.

Submission:

Labcorp Genetics (formerly Invitae), Labcorp
Classification: Uncertain significance for Dilated cardiomyopathy 1G; Autosomal recessive limb-girdle muscular dystrophy type 2J. Last evaluated: 2023-12-25. Review status: criteria provided, single submitter. Criteria: Invitae Variant Classification Sherloc (09022015). Collection method: clinical testing. Allele origin: germline.
Comment: This sequence change replaces glycine, which is neutral and non-polar, with valine, which is neutral and non-polar, at codon 35340 of the TTN protein (p.Gly35340Val). This variant is not present in population databases (gnomAD no frequency). This variant has not been reported in the literature in individuals affected with TTN-related conditions. Experimental studies and prediction algorithms are not available or were not evaluated, and the functional significance of this variant is currently unknown. This variant is located in the M band of TTN (PMID: 25589632). Non-truncating variants in this region may be relevant for neuromuscular disorders, but have not been definitively shown to cause cardiomyopathy (PMID: 23975875). In summary, the available evidence is currently insufficient to determine the role of this variant in disease. Therefore, it has been classified as a Variant of Uncertain Significance.

Literature cited by the submitters: PubMed 25589632; PubMed 23975875.

NM_001267550.2(TTN):c.106019G>T (p.Gly35340Val)

Genes: TTN-AS1 (TTN antisense RNA 1; plus strand), TTN (titin; minus strand), LOC129935182 (ATAC-STARR-seq lymphoblastoid active region 16807; plus strand). Cytogenetic location: 2q31.2.
Variant type: single nucleotide variant.
Coding change: c.106019G>T on transcript NM_001267550.2 (MANE Select); coding-DNA position 106019, G replaced by T.
Protein change: p.Gly35340Val; replaces glycine 35340 with valine.
Molecular consequence: missense variant.
Genome position (GRCh38, 1-based): chr2:178,530,596, C>A on the plus strand (G>T on the coding strand, the complement: TTN is on the minus strand). VCF-style: chr2-178530596-C-A. GRCh37 (hg19) VCF-style: chr2-179395323-C-A.
Other names: c.101096G>T, p.Gly33699Val (NM_001256850.1); c.78824G>T, p.Gly26275Val (NM_003319.4); c.98315G>T, p.Gly32772Val (NM_133378.4); c.79199G>T, p.Gly26400Val (NM_133432.3); c.79400G>T, p.Gly26467Val (NM_133437.4); short protein forms G26400V, G26275V, G33699V, G35340V, G26467V, G32772V.
Identifiers: ClinVar variation 2921699 (VCV002921699.3), dbSNP rs1688680351, ClinGen allele CA349407206.